The following is an entry in ClinVar:

NM_001370259.2(MEN1):c.473C>A (p.Ala158Asp)

Gene: MEN1 (menin 1; minus strand). Cytogenetic location: 11q13.1.
Variant type: single nucleotide variant.
Coding change: c.473C>A on transcript NM_001370259.2 (MANE Select); coding-DNA position 473, C replaced by A.
Protein change: p.Ala158Asp; replaces alanine 158 with aspartic acid.
Molecular consequence: missense variant.
Genome position (GRCh38, 1-based): chr11:64,808,072, G>T on the plus strand (C>A on the coding strand, the complement: MEN1 is on the minus strand). VCF-style: chr11-64808072-G-T. GRCh37 (hg19) VCF-style: chr11-64575544-G-T.
Other names: c.488C>A, p.Ala163Asp (NM_000244.4, NM_130800.3, NM_130801.3 and 3 more transcripts); c.473C>A, p.Ala158Asp (NM_001370251.2, NM_001370260.2, NM_001370261.2 and 3 more transcripts); short protein forms A158D, A163D.
Identifiers: ClinVar variation 200972 (VCV000200972.12), dbSNP rs794728617, ClinGen allele CA009435.

ClinVar aggregate classification (germline): Conflicting classifications of pathogenicity. Review status: criteria provided, conflicting classifications (1 of 4 stars). 3 submissions from 3 submitters: Likely pathogenic (1); Uncertain significance (2). Last evaluated 2025-02-23.

Conditions:
Hereditary cancer-predisposing syndrome. Also called: Hereditary Cancer Syndrome; Tumor predisposition; Hereditary neoplastic syndrome; Neoplastic Syndromes, Hereditary. Identifiers: Orphanet 140162, MedGen C0027672, MeSH D009386, MONDO:0015356.
Multiple endocrine neoplasia, type 1 (MEN1). Also called: MEA I; MEN I; WERMER SYNDROME; Endocrine adenomatosis multiple; MEN 1. Identifiers: Orphanet 652, MedGen C0025267, MeSH D018761, MONDO:0007540, OMIM 131100.

Submissions (3):

Ambry Genetics
Classification: Likely pathogenic for Hereditary cancer-predisposing syndrome. Last evaluated: 2025-02-23. Review status: criteria provided, single submitter. Criteria: Ambry Variant Classification Scheme 2023. Collection method: clinical testing. Allele origin: germline.
Comment: The p.A158D variant (also known as c.473C>A), located in coding exon 2 of the MEN1 gene, results from a C to A substitution at nucleotide position 473. The alanine at codon 158 is replaced by aspartic acid, an amino acid with dissimilar properties. Based on internal structural analysis, this variant is anticipated to result in a significant decrease in structural stability (Huang J et al. Nature. 2012 Feb;482:542-6). This alteration has been observed in multiple individuals with a personal and/or family history that is consistent with MEN1-related disease (Kihara M et al, Endocr J 2009 May;56(5):649-56; Ambry internal data). This amino acid position is highly conserved in available vertebrate species. In addition, this alteration is predicted to be deleterious by in silico analysis. Based on the majority of available evidence to date, this variant is likely to be pathogenic.

Fulgent Genetics
Classification: Uncertain significance for Multiple endocrine neoplasia, type 1. Last evaluated: 2018-10-31. Review status: criteria provided, single submitter. Criteria: ACMG Guidelines, 2015. Collection method: clinical testing. Allele origin: unknown.

Labcorp Genetics (formerly Invitae), Labcorp
Classification: Uncertain significance for Multiple endocrine neoplasia, type 1. Last evaluated: 2016-09-07. Review status: criteria provided, single submitter. Criteria: Invitae Variant Classification Sherloc (09022015). Collection method: clinical testing. Allele origin: germline.
Comment: In summary, this variant is a rare missense change with uncertain impact on protein function. While it is absent from the population and reported in an affected individual, the available evidence is currently insufficient to determine its role in disease. Therefore, it has been classified as a Variant of Uncertain Significance. Algorithms developed to predict the effect of missense changes on protein structure and function do not agree on the potential impact of this missense change (SIFT: "Deleterious"; PolyPhen-2: "Probably Damaging"; Align-GVGD: "Class C0"). This missense change is located in a region of the MEN1 protein where a significant number of previously reported MEN1 missense variants are found (PMID: 17623761, 17766710, 22026581, 21819486, 12050235, 10534569, 9215689, 9709921 ), although pathogenicity is uncertain. These observations suggest that a missense substitution within this region may affect protein function, but experiments have not been done to test this possibility. This variant has been reported in an individual affected with multiple parathyroid lesions (PMID: 19461164). ClinVar contains an entry for this variant (Variation ID: 200972). This variant is not present in population databases (rs794728617, ExAC no frequency). This sequence change replaces alanine with aspartic acid at codon 158 of the MEN1 protein (p.Ala158Asp). The alanine residue is highly conserved and there is a moderate physicochemical difference between alanine and aspartic acid.

Literature cited by the submitters: PubMed 17623761 (cited by Labcorp Genetics (formerly Invitae), Labcorp); PubMed 17766710 (cited by Labcorp Genetics (formerly Invitae), Labcorp); PubMed 22026581 (cited by Labcorp Genetics (formerly Invitae), Labcorp); PubMed 21819486 (cited by Labcorp Genetics (formerly Invitae), Labcorp); PubMed 12050235 (cited by Labcorp Genetics (formerly Invitae), Labcorp); PubMed 10534569 (cited by Labcorp Genetics (formerly Invitae), Labcorp); PubMed 9215689 (cited by Labcorp Genetics (formerly Invitae), Labcorp); PubMed 9709921 (cited by Labcorp Genetics (formerly Invitae), Labcorp); PubMed 19461164 (cited by Labcorp Genetics (formerly Invitae), Labcorp).